The following is an entry in ClinVar:

NM_001363711.2(DUOX2):c.30G>A (p.Met10Ile)

Gene: DUOX2 (dual oxidase 2; minus strand). Cytogenetic location: 15q21.1.
Variant type: single nucleotide variant.
Coding change: c.30G>A on transcript NM_001363711.2 (MANE Select); coding-DNA position 30, G replaced by A.
Protein change: p.Met10Ile; replaces methionine 10 with isoleucine.
Molecular consequence: missense variant.
Genome position (GRCh38, 1-based): chr15:45,113,382, C>T on the plus strand (G>A on the coding strand, the complement: DUOX2 is on the minus strand). VCF-style: chr15-45113382-C-T. GRCh37 (hg19) VCF-style: chr15-45405580-C-T.
Other names: c.30G>A, p.Met10Ile (NM_014080.5); short protein forms M10I.
Identifiers: ClinVar variation 4770115 (VCV004770115.1).

ClinVar aggregate classification (germline): Uncertain significance (1 of 4 stars; one submission).

Submission:

Labcorp Genetics (formerly Invitae), Labcorp
Classification: Uncertain significance. Last evaluated: 2025-02-26. Review status: criteria provided, single submitter. Criteria: Invitae Variant Classification Sherloc (09022015). Collection method: clinical testing. Allele origin: germline.
Comment: This sequence change replaces methionine, which is neutral and non-polar, with isoleucine, which is neutral and non-polar, at codon 10 of the DUOX2 protein (p.Met10Ile). The frequency data for this variant in the population databases is considered unreliable, as metrics indicate poor data quality at this position in the gnomAD database. This variant has not been reported in the literature in individuals affected with DUOX2-related conditions. Invitae Evidence Modeling of protein sequence and biophysical properties (such as structural, functional, and spatial information, amino acid conservation, physicochemical variation, residue mobility, and thermodynamic stability) indicates that this missense variant is not expected to disrupt DUOX2 protein function with a negative predictive value of 95%. In summary, the available evidence is currently insufficient to determine the role of this variant in disease. Therefore, it has been classified as a Variant of Uncertain Significance.